The following is an entry in ClinVar:

ClinVar aggregate classification (germline): Uncertain significance (1 of 4 stars; one submission).

Submission:

Labcorp Genetics (formerly Invitae), Labcorp
Classification: Uncertain significance. Last evaluated: 2023-11-13. Review status: criteria provided, single submitter. Criteria: Invitae Variant Classification Sherloc (09022015). Collection method: clinical testing. Allele origin: germline.
Comment: This sequence change falls in intron 4 of the TPP1 gene. It does not directly change the encoded amino acid sequence of the TPP1 protein. This variant is not present in population databases (gnomAD no frequency). This variant has been observed in individual(s) with neuronal ceroid lipofuscinosis (PMID: 22245569). This variant is also known as IVS4-17~-4 delTGTTCTCTGACCTC. ClinVar contains an entry for this variant (Variation ID: 2136997). In summary, the available evidence is currently insufficient to determine the role of this variant in disease. Therefore, it has been classified as a Variant of Uncertain Significance.

Literature cited by the submitters: PubMed 22245569.

NM_000391.4(TPP1):c.381-17_381-4del

Gene: TPP1 (tripeptidyl peptidase 1; minus strand). Cytogenetic location: 11p15.4.
Variant type: Deletion.
Coding change: c.381-17_381-4del on transcript NM_000391.4 (MANE Select); 17 bases into the intron before coding-DNA position 381 through 4 bases into the intron before coding-DNA position 381, 14 bases deleted (TGTTCTCTGACCTC).
Molecular consequence: intron variant.
Genome position (GRCh38, 1-based): chr11:6,617,432-6,617,445, GAGGTCAGAGAACA deleted on the plus strand (TGTTCTCTGACCTC on the coding strand, the reverse complement: TPP1 is on the minus strand); deleting any 14 consecutive bases within chr11:6,617,432-6,617,454 gives the same sequence; the c. name uses the placement nearest the transcript's 3' end. VCF-style (leftmost placement, unchanged base first): chr11-6617431-GGAGGTCAGAGAACA-G. GRCh37 (hg19) VCF-style: chr11-6638662-GGAGGTCAGAGAACA-G.
Identifiers: ClinVar variation 2136997 (VCV002136997.4), dbSNP rs1363424865, ClinGen allele CA679351523.